The following is an entry in ClinVar:

ClinVar aggregate classification (germline): Uncertain significance. Review status: criteria provided, multiple submitters, no conflicts (2 of 4 stars). 3 submissions from 3 submitters: Uncertain significance (3). Last evaluated 2026-05-18.

Conditions:
POMC-related disorder. Also called: POMC-related condition; POMC-related disorders.

Allele frequency attached by ClinVar (database versions not stated): TOPMed 0.00015; 1000 Genomes Project 30x 0.00016; gnomAD 0.00016 and 0.00018; gnomAD exomes 0.00018; ExAC 0.00019; 1000 Genomes Project 0.00020.
gnomAD v4.1: 297 of 1,610,154 alleles (0.018%); highest among the groups gnomAD compares: Middle Eastern, 0.066%; 1 homozygote.

Submissions (3):

PreventionGenetics, part of Exact Sciences
Classification: Uncertain significance for POMC-related condition. Last evaluated: 2026-05-18. Review status: criteria provided, single submitter. Criteria: ACMG Guidelines, 2015. Collection method: clinical testing. Allele origin: germline.
Comment: The POMC c.430T>C variant is predicted to result in the amino acid substitution p.Phe144Leu. This variant was reported to segregate with obesity in a two-generation pedigree, and in vitro analysis suggested that MC4R signaling was nearly abolished due to reduced alpha-MSH binding (Dubern et al. 2008. PubMed ID: 18091355). Another in vitro functional study also showed strong evidence of loss of function (Supplemental Data Set, Shah et al. 2023. PubMed ID: 36864747). However, in a second study, this variant was found in three non-obese sisters, suggesting that it may be a benign polymorphism (Philippe et al. 2015. PubMed ID: 24890885). This variant is reported in 0.029% of alleles in individuals of European (Non-Finnish) descent in gnomAD. However, in gnomAD v4 (available only on GRCh38), this variant is reported in 0.066% of alleles in a subpopulation including a homozygous individual. This population data is more frequent than other known pathogenic and likely pathogenic variants in POMC. Although we suspect that this variant may be pathogenic, at this time, the clinical significance of this variant is uncertain due to the absence of conclusive functional and genetic evidence.

Labcorp Genetics (formerly Invitae), Labcorp
Classification: Uncertain significance. Last evaluated: 2023-03-23. Review status: criteria provided, single submitter. Criteria: Invitae Variant Classification Sherloc (09022015). Collection method: clinical testing. Allele origin: germline.
Comment: This variant is also known as Phe118Leu. This missense change has been observed in individual(s) with early onset obesity (PMID: 18091355). This variant is present in population databases (rs201408477, gnomAD 0.03%). This sequence change replaces phenylalanine, which is neutral and non-polar, with leucine, which is neutral and non-polar, at codon 144 of the POMC protein (p.Phe144Leu). ClinVar contains an entry for this variant (Variation ID: 596626). In summary, the available evidence is currently insufficient to determine the role of this variant in disease. Therefore, it has been classified as a Variant of Uncertain Significance. Experimental studies have shown that this missense change affects POMC function (PMID: 18091355). Advanced modeling of protein sequence and biophysical properties (such as structural, functional, and spatial information, amino acid conservation, physicochemical variation, residue mobility, and thermodynamic stability) performed at Invitae indicates that this missense variant is expected to disrupt POMC protein function.

Eurofins Ntd Llc (ga)
Classification: Uncertain significance. Last evaluated: 2018-03-20. Review status: criteria provided, single submitter. Criteria: EGL ClinVar v180209 classification definitions. Collection method: clinical testing. Allele origin: germline.

Literature cited by the submitters: PubMed 18091355 (cited by Labcorp Genetics (formerly Invitae), Labcorp and Eurofins Ntd Llc (ga)); PubMed 24890885 (cited by Eurofins Ntd Llc (ga)).

NM_000939.4(POMC):c.430T>C (p.Phe144Leu)

Gene: POMC (proopiomelanocortin; minus strand). Cytogenetic location: 2p23.3.
Variant type: single nucleotide variant.
Coding change: c.430T>C on transcript NM_000939.4 (MANE Select); coding-DNA position 430, T replaced by C.
Protein change: p.Phe144Leu; replaces phenylalanine 144 with leucine.
Molecular consequence: missense variant.
Genome position (GRCh38, 1-based): chr2:25,161,455, A>G on the plus strand (T>C on the coding strand, the complement: POMC is on the minus strand). VCF-style: chr2-25161455-A-G. GRCh37 (hg19) VCF-style: chr2-25384324-A-G.
Other names: c.430T>C (NM_000939.3); c.430T>C, p.Phe144Leu (NM_001035256.3, NM_001319204.2, NM_001319205.2); short protein forms F144L.
Identifiers: ClinVar variation 596626 (VCV000596626.10), dbSNP rs201408477, ClinGen allele CA1555299.